The following is an entry in ClinVar:

NM_000488.4(SERPINC1):c.223G>A (p.Ala75Thr)

Gene: SERPINC1 (serpin family C member 1; minus strand). Cytogenetic location: 1q25.1.
Variant type: single nucleotide variant.
Coding change: c.223G>A on transcript NM_000488.4 (MANE Select); coding-DNA position 223, G replaced by A.
Protein change: p.Ala75Thr; replaces alanine 75 with threonine.
Molecular consequence: missense variant.
Genome position (GRCh38, 1-based): chr1:173,914,738, C>T on the plus strand (G>A on the coding strand, the complement: SERPINC1 is on the minus strand). VCF-style: chr1-173914738-C-T. GRCh37 (hg19) VCF-style: chr1-173883876-C-T.
Other names: NM_000488.4(SERPINC1):c.223G>A; p.Ala75Thr; c.79G>A, p.Ala27Thr (NM_001365052.2); c.223G>A, p.Ala75Thr (NM_001386302.1, NM_001386304.1, NM_001386305.1 and 1 more transcripts); c.304G>A, p.Ala102Thr (NM_001386303.1); short protein forms A102T, A27T, A75T.
Identifiers: ClinVar variation 2267274 (VCV002267274.3), dbSNP rs1297895835, ClinGen allele CA343777896.

ClinVar aggregate classification (germline): Uncertain significance. Review status: reviewed by expert panel (3 of 4 stars). 2 submissions from 2 submitters: Uncertain significance (1). 1 of the submissions does not count toward it. Last evaluated 2024-07-03.

Conditions:
Inborn genetic diseases. Identifiers: MedGen C0950123, MeSH D030342.
Hereditary antithrombin deficiency (AT3D). Also called: Antithrombin deficiency; Reduced antithrombin III activity; Antithrombin III deficiency; Thrombophilia due to antithrombin III deficiency. Identifiers: Orphanet 82, MedGen C0272375, MONDO:0013144, OMIM 613118, HP:0001976.

Allele frequency attached by ClinVar (database versions not stated): gnomAD exomes below 0.00001; gnomAD 0.00001; TOPMed 0.00001.
gnomAD v4.1: 8 of 1,614,112 alleles (0.0005%); highest among the groups gnomAD compares: Non-Finnish European, 0.00068%; no homozygotes.

Submissions (2):

Clingen Thrombosis Variant Curation Expert Panel, ClinGen
Classification: Uncertain significance for Hereditary antithrombin deficiency. Last evaluated: 2024-07-03. Review status: reviewed by expert panel. Criteria: ClinGen ACMG Specifications SERPINC1 V1.0.0. Collection method: curation. Allele origin: germline. Inheritance: Autosomal dominant inheritance.
Comment: The c.223G>A (NM_000488.3) variant in SERPINC1 is a missense variant predicted to cause substitution of alanine by threonine at amino acid 75 (p.Ala75Thr). The highest population minor allele frequency in gnomAD v3.1.2 is 0.00001470 (1/68040 alleles) in the European population, which is lower than the ClinGen SERPINC1 threshold ([<0.00002]) for PM2, and therefore meets this criterion (PM2_supporting). The computational predictor REVEL gives a score of 0.215, which is below the threshold of 0.3, and the splice site predictor Splice AI indicate that the variant has no impact on splicing, which suggests that the variant does not impact SERPINC1 function (BP4). In summary, based on the evidence available at this time, the clinical significance of this variant is uncertain. ACMG/AMP criteria applied, as specified by the Thrombosis Variant Curation Expert Panel for AT Deficiency for SERPINC1: BP4, PM2_supporting.

Ambry Genetics
Classification: Uncertain significance for Inborn genetic diseases. Last evaluated: 2021-12-14. Review status: criteria provided, single submitter. Criteria: Ambry Variant Classification Scheme 2023. Collection method: clinical testing. Allele origin: germline. Not counted in ClinVar's aggregate classification.